The following is an entry in ClinVar:

ClinVar aggregate classification (germline): Uncertain significance. Review status: criteria provided, multiple submitters, no conflicts (2 of 4 stars). 2 submissions from 2 submitters: Uncertain significance (2). Last evaluated 2025-01-11.

Allele frequency attached by ClinVar (database versions not stated): gnomAD exomes 0.00012; ExAC 0.00013; 1000 Genomes Project 30x 0.00016; gnomAD 0.00036 and 0.00041; TOPMed 0.00042.
gnomAD v4.1: 168 of 1,609,542 alleles (0.01%); highest among the groups gnomAD compares: African/African-American, 0.097%; no homozygotes.

Submissions (2):

Labcorp Genetics (formerly Invitae), Labcorp
Classification: Uncertain significance. Last evaluated: 2025-01-11. Review status: criteria provided, single submitter. Criteria: Invitae Variant Classification Sherloc (09022015). Collection method: clinical testing. Allele origin: germline.
Comment: This sequence change replaces alanine, which is neutral and non-polar, with aspartic acid, which is acidic and polar, at codon 254 of the GDF5 protein (p.Ala254Asp). This variant is present in population databases (rs780794426, gnomAD 0.08%). This variant has not been reported in the literature in individuals affected with GDF5-related conditions. ClinVar contains an entry for this variant (Variation ID: 1309373). An algorithm developed to predict the effect of missense changes on protein structure and function (PolyPhen-2) suggests that this variant¬†is likely to be tolerated. In summary, the available evidence is currently insufficient to determine the role of this variant in disease. Therefore, it has been classified as a Variant of Uncertain Significance.

GeneDx
Classification: Uncertain significance. Last evaluated: 2019-10-25. Review status: criteria provided, single submitter. Criteria: GeneDx Variant Classification Process June 2021. Collection method: clinical testing. Allele origin: germline. Affected: yes.
Comment: Has not been previously published as pathogenic or benign to our knowledge; In silico analysis, which includes protein predictors and evolutionary conservation, supports that this variant does not alter protein structure/function

NM_000557.5(GDF5):c.761C>A (p.Ala254Asp)

Gene: GDF5 (growth differentiation factor 5; minus strand). Cytogenetic location: 20q11.22.
Variant type: single nucleotide variant.
Coding change: c.761C>A on transcript NM_000557.5 (MANE Select); coding-DNA position 761, C replaced by A.
Protein change: p.Ala254Asp; replaces alanine 254 with aspartic acid.
Molecular consequence: missense variant.
Genome position (GRCh38, 1-based): chr20:35,434,654, G>T on the plus strand (C>A on the coding strand, the complement: GDF5 is on the minus strand). VCF-style: chr20-35434654-G-T. GRCh37 (hg19) VCF-style: chr20-34022452-G-T.
Other names: c.761C>A, p.Ala254Asp (NM_001319138.2); short protein forms A254D.
Identifiers: ClinVar variation 1309373 (VCV001309373.7), dbSNP rs780794426, ClinGen allele CA9832239.